The following is an entry in ClinVar:

NM_020180.4(CELF4):c.1303G>A (p.Ala435Thr)

Gene: CELF4 (CUGBP Elav-like family member 4; minus strand). Cytogenetic location: 18q12.2.
Variant type: single nucleotide variant.
Coding change: c.1303G>A on transcript NM_020180.4 (MANE Select); coding-DNA position 1303, G replaced by A.
Protein change: p.Ala435Thr; replaces alanine 435 with threonine.
Molecular consequence: missense variant. On other transcripts: non-coding transcript variant (9), intron variant (24).
Genome position (GRCh38, 1-based): chr18:37,259,211, C>T on the plus strand (G>A on the coding strand, the complement: CELF4 is on the minus strand). VCF-style: chr18-37259211-C-T. GRCh37 (hg19) VCF-style: chr18-34839174-C-T.
Other names: c.1300G>A, p.Ala434Thr (NM_001025087.2, NM_001353698.2, NM_001353731.2 and 4 more transcripts); c.1297G>A, p.Ala433Thr (NM_001025088.2, NM_001330603.2, NM_001353724.2 and 3 more transcripts); c.1267G>A, p.Ala423Thr (NM_001353695.2, NM_001353710.2, NM_001353721.2 and 4 more transcripts); c.1294G>A, p.Ala432Thr (NM_001353702.2, NM_001353718.2); c.1273G>A, p.Ala425Thr (NM_001353703.2, NM_001353717.2); c.1264G>A, p.Ala422Thr (NM_001353705.2, NM_001353711.2, NM_001353714.2 and 2 more transcripts); c.1270G>A, p.Ala424Thr (NM_001353707.2, NM_001353709.2, NM_001353726.2 and 4 more transcripts); c.1291G>A, p.Ala431Thr (NM_001353712.2); and 16 more; short protein forms A301T, A302T, A310T, A311T, A421T, A422T, A423T, A424T.
Identifiers: ClinVar variation 3774609 (VCV003774609.1).

ClinVar aggregate classification (germline): Uncertain significance (1 of 4 stars; one submission).

gnomAD v4.1: 5 of 1,612,082 alleles (0.00031%); highest among the groups gnomAD compares: East Asian, 0.0089%; no homozygotes.

Submission:

GeneDx
Classification: Uncertain significance. Last evaluated: 2024-05-15. Review status: criteria provided, single submitter. Criteria: GeneDx Variant Classification Process June 2021. Collection method: clinical testing. Allele origin: germline. Affected: yes.
Comment: Not observed at significant frequency in large population cohorts (gnomAD); In silico analysis supports that this missense variant has a deleterious effect on protein structure/function; Has not been previously published as pathogenic or benign to our knowledge; Variants in candidate genes are classified as variants of uncertain significance in accordance with ACMG guidelines (PMID: 25741868)